The following is an entry in ClinVar:

NM_001009944.3(PKD1):c.3379C>T (p.Pro1127Ser)

Gene: PKD1 (polycystin 1, transient receptor potential channel interacting; minus strand). Cytogenetic location: 16p13.3.
Variant type: single nucleotide variant.
Coding change: c.3379C>T on transcript NM_001009944.3 (MANE Select); coding-DNA position 3379, C replaced by T.
Protein change: p.Pro1127Ser; replaces proline 1127 with serine.
Molecular consequence: missense variant.
Genome position (GRCh38, 1-based): chr16:2,111,788, G>A on the plus strand (C>T on the coding strand, the complement: PKD1 is on the minus strand). VCF-style: chr16-2111788-G-A. GRCh37 (hg19) VCF-style: chr16-2161789-G-A.
Other names: c.3379C>T, p.Pro1127Ser (NM_000296.4); short protein forms P1127S.
Identifiers: ClinVar variation 3730921 (VCV003730921.1).

ClinVar aggregate classification (germline): Uncertain significance (1 of 4 stars; one submission).

gnomAD v4.1: 3 of 1,608,736 alleles (0.00019%); highest among the groups gnomAD compares: African/African-American, 0.0027%; no homozygotes.

Submission:

GeneDx
Classification: Uncertain significance. Last evaluated: 2024-08-12. Review status: criteria provided, single submitter. Criteria: GeneDx Variant Classification Process June 2021. Collection method: clinical testing. Allele origin: germline. Affected: yes.
Comment: Not observed at significant frequency in large population cohorts (gnomAD); In silico analysis indicates that this missense variant does not alter protein structure/function; Has not been previously published as pathogenic or benign to our knowledge